The following is an entry in ClinVar:

NM_002529.4(NTRK1):c.717+373_717+397del

Gene: NTRK1 (neurotrophic receptor tyrosine kinase 1; plus strand). Cytogenetic location: 1q23.1.
Variant type: Deletion.
Coding change: c.717+373_717+397del on transcript NM_002529.4 (MANE Select); bases 373 to 397 of the intron after coding-DNA position 717, 25 bases deleted (CTTCCTTCCTTCCTTCCTTCCTTCC).
Molecular consequence: intron variant.
Genome position (GRCh38, 1-based): chr1:156,869,020-156,869,044, CTTCCTTCCTTCCTTCCTTCCTTCC deleted; deleting any 25 consecutive bases within chr1:156,869,017-156,869,044 gives the same sequence; the c. name uses the placement nearest the transcript's 3' end. VCF-style (leftmost placement, unchanged base first): chr1-156869016-CTCCCTTCCTTCCTTCCTTCCTTCCT-C. GRCh37 (hg19) VCF-style: chr1-156838808-CTCCCTTCCTTCCTTCCTTCCTTCCT-C.
Other names: c.627+373_627+397del (NM_001007792.1); c.717+373_717+397del (NM_001012331.2).
Identifiers: ClinVar variation 2639467 (VCV002639467.24), dbSNP rs1167363832, ClinGen allele CA526499496.
Genomic context (GRCh38, chr1:156,869,016, plus strand): 5'-TTACATGTTGGAGCTGAGAGGAACCCAACAGACCATCCCTCCCGTACATCACTTTTCTCT[CTCCCTTCCTTCCTTCCTTCCTTCCT>C]TCCTTCCTTCCTTCCTTCCTTCCTTCCTTCCTTCCTTCCTTCCTTCCTTTTATGGAGTTT-3'

ClinVar aggregate classification (germline): Likely benign (1 of 4 stars; one submission).

Submission:

CeGaT Center for Human Genetics Tuebingen
Classification: Likely benign. Last evaluated: 2023-01-01. Review status: criteria provided, single submitter. Criteria: CeGaT Center For Human Genetics Tuebingen Variant Classification Criteria Version 2. Collection method: clinical testing. Allele origin: germline. Affected: yes. Observed: 2 variant alleles.
Comment: NTRK1: BS2